The following is an entry in ClinVar:

NM_172107.4(KCNQ2):c.201_204del (p.Pro68fs)

Gene: KCNQ2 (potassium voltage-gated channel subfamily Q member 2; minus strand). Cytogenetic location: 20q13.33.
Variant type: Deletion.
Coding change: c.201_204del on transcript NM_172107.4 (MANE Select); coding-DNA positions 201 to 204, 4 bases deleted (CCCC; older notation c.201_204delCCCC).
Protein change: p.Pro68fs; shifts the reading frame from proline 68.
Molecular consequence: frameshift variant.
Genome position (GRCh38, 1-based): chr20:63,472,260-63,472,263, GGGG deleted on the plus strand (CCCC on the coding strand, the reverse complement: KCNQ2 is on the minus strand); deleting any 4 consecutive bases within chr20:63,472,260-63,472,265 gives the same sequence; the c. name uses the placement nearest the transcript's 3' end. VCF-style (leftmost placement, unchanged base first): chr20-63472259-TGGGG-T. GRCh37 (hg19) VCF-style: chr20-62103612-TGGGG-T.
Other names: c.201_204del, p.Pro68fs (NM_001382235.1, NM_001439003.1, NM_001439004.1 and 4 more transcripts); short protein forms P68fs.
Identifiers: ClinVar variation 4713921 (VCV004713921.1).

ClinVar aggregate classification (germline): Pathogenic (1 of 4 stars; one submission).

Conditions:
Early-infantile DEE. Also called: Early infantile epileptic encephalopathy; Ohtahara syndrome; Early infantile epileptic encephalopathy with suppression bursts. Identifiers: Orphanet 1934, MedGen C0393706, MONDO:0800491.

Submission:

Labcorp Genetics (formerly Invitae), Labcorp
Classification: Pathogenic for Early-infantile DEE. Last evaluated: 2025-02-26. Review status: criteria provided, single submitter. Criteria: Invitae Variant Classification Sherloc (09022015). Collection method: clinical testing. Allele origin: germline.
Comment: This sequence change creates a premature translational stop signal (p.Pro68Serfs*64) in the KCNQ2 gene. It is expected to result in an absent or disrupted protein product. Loss-of-function variants in KCNQ2 are known to be pathogenic (PMID: 14534157, 23692823, 27779742). This variant is not present in population databases (gnomAD no frequency). This variant has not been reported in the literature in individuals affected with KCNQ2-related conditions. For these reasons, this variant has been classified as Pathogenic.

Literature cited by the submitters: PubMed 14534157; PubMed 23692823; PubMed 27779742.